The following is an entry in ClinVar:

NM_000368.5(TSC1):c.450T>G (p.His150Gln)

Gene: TSC1 (TSC complex subunit 1; minus strand). Cytogenetic location: 9q34.13.
Variant type: single nucleotide variant.
Coding change: c.450T>G on transcript NM_000368.5 (MANE Select); coding-DNA position 450, T replaced by G.
Protein change: p.His150Gln; replaces histidine 150 with glutamine.
Molecular consequence: missense variant. On other transcripts: 5 prime UTR variant (5), non-coding transcript variant (5).
Genome position (GRCh38, 1-based): chr9:132,923,406, A>C on the plus strand (T>G on the coding strand, the complement: TSC1 is on the minus strand). VCF-style: chr9-132923406-A-C. GRCh37 (hg19) VCF-style: chr9-135798793-A-C.
Other names: c.450T>G, p.His150Gln (NM_001162426.2, NM_001406601.1, NM_001406602.1 and 16 more transcripts); c.297T>G, p.His99Gln (NM_001162427.2, NM_001406610.1, NM_001406611.1 and 2 more transcripts); c.87T>G, p.His29Gln (NM_001406620.1, NM_001406621.1, NM_001406622.1 and 10 more transcripts); c.-428T>G (NM_001406626.1, NM_001406627.1, NM_001406628.1); c.-570T>G (NM_001406629.1); c.-644T>G (NM_001406630.1); short protein forms H150Q, H29Q, H99Q.
Identifiers: ClinVar variation 3329443 (VCV003329443.1).
Genomic context (GRCh38, chr9:132,923,406, plus strand): 5'-ACCTGGTTTCTTCAGGCACCATGATGACAGACGGCCAAAAATGTCAAAGAAATCAAGAAG[A>C]TGCTGTTTCCCAGACTGTGGAATCATTGGTAGCATGGTTATCAACACCAAGACGCCTGTT-3'
Protein context (NP_000359.1, residues 140-160): LPMIPQSGKQ[His150Gln]LLDFFDIFGR

ClinVar aggregate classification (germline): Uncertain significance (1 of 4 stars; one submission).

Conditions:
Hereditary cancer-predisposing syndrome. Also called: Neoplastic Syndromes, Hereditary; Tumor predisposition; Hereditary neoplastic syndrome; Hereditary Cancer Syndrome. Identifiers: Orphanet 140162, MedGen C0027672, MeSH D009386, MONDO:0015356.

Submission:

Ambry Genetics
Classification: Uncertain significance for Hereditary cancer-predisposing syndrome. Last evaluated: 2024-05-30. Review status: criteria provided, single submitter. Criteria: Ambry Variant Classification Scheme 2023. Collection method: clinical testing. Allele origin: germline.
Comment: The p.H150Q variant (also known as c.450T>G), located in coding exon 4 of the TSC1 gene, results from a T to G substitution at nucleotide position 450. The histidine at codon 150 is replaced by glutamine, an amino acid with highly similar properties. This amino acid position is conserved. In addition, the in silico prediction for this alteration is inconclusive. Based on the available evidence, the clinical significance of this variant remains unclear.